The following is an entry in ClinVar:

ClinVar aggregate classification (germline): Uncertain significance (1 of 4 stars; one submission).

Allele frequency attached by ClinVar (database versions not stated): ExAC 0.00001; gnomAD exomes 0.00002 and 0.00025; TOPMed 0.00005; gnomAD 0.00006.
gnomAD v4.1: 304 of 1,365,036 alleles (0.022%); highest among the groups gnomAD compares: Non-Finnish European, 0.029%; no homozygotes.

Submission:

Labcorp Genetics (formerly Invitae), Labcorp
Classification: Uncertain significance. Last evaluated: 2024-11-11. Review status: criteria provided, single submitter. Criteria: Invitae Variant Classification Sherloc (09022015). Collection method: clinical testing. Allele origin: germline.
Comment: This sequence change replaces cysteine, which is neutral and slightly polar, with arginine, which is basic and polar, at codon 1172 of the ERCC6L2 protein (p.Cys1172Arg). This variant is present in population databases (rs765873427, gnomAD 0.005%). This variant has not been reported in the literature in individuals affected with ERCC6L2-related conditions. ClinVar contains an entry for this variant (Variation ID: 1477956). Experimental studies and prediction algorithms are not available or were not evaluated, and the functional significance of this variant is currently unknown. In summary, the available evidence is currently insufficient to determine the role of this variant in disease. Therefore, it has been classified as a Variant of Uncertain Significance.

NM_020207.7(ERCC6L2):c.3481T>C (p.Cys1161Arg)

Gene: ERCC6L2 (ERCC excision repair 6 like 2; plus strand). Cytogenetic location: 9q22.32.
Variant type: single nucleotide variant.
Coding change: c.3481T>C on transcript NM_020207.7 (MANE Select); coding-DNA position 3481, T replaced by C.
Protein change: p.Cys1161Arg; replaces cysteine 1161 with arginine.
Molecular consequence: missense variant. On other transcripts: non-coding transcript variant (1).
Genome position (GRCh38, 1-based): chr9:95,978,204, T>C. VCF-style: chr9-95978204-T-C. GRCh37 (hg19) VCF-style: chr9-98740486-T-C.
Other names: c.3481T>C, p.Cys1161Arg (NM_001375291.1, NM_001375292.1, NM_001375293.1 and 1 more transcripts); short protein forms C1161R.
Identifiers: ClinVar variation 1477956 (VCV001477956.4), dbSNP rs765873427, ClinGen allele CA5139930.